The following is an entry in ClinVar:

NM_000158.4(GBE1):c.47del (p.Ala16fs)

Gene: GBE1 (1,4-alpha-glucan branching enzyme 1; minus strand). Cytogenetic location: 3p12.2.
Variant type: Deletion.
Coding change: c.47del on transcript NM_000158.4 (MANE Select); coding-DNA position 47, one base deleted (C; older notation c.47delC).
Protein change: p.Ala16fs; shifts the reading frame from alanine 16.
Molecular consequence: frameshift variant.
Genome position (GRCh38, 1-based): chr3:81,761,471, G deleted on the plus strand (C on the coding strand, the reverse complement: GBE1 is on the minus strand). VCF-style (leftmost placement, unchanged base first): chr3-81761470-CG-C. GRCh37 (hg19) VCF-style: chr3-81810621-CG-C.
Other names: short protein forms A16fs.
Identifiers: ClinVar variation 1453400 (VCV001453400.9), dbSNP rs2107250805, ClinGen allele CA2573137439.

ClinVar aggregate classification (germline): Pathogenic/Likely pathogenic. Review status: criteria provided, multiple submitters, no conflicts (2 of 4 stars). 3 submissions from 3 submitters: Pathogenic (1); Likely pathogenic (2). Last evaluated 2024-03-06.

Conditions:
Glycogen storage disease, type IV (GSD4). Also called: AMYLOPECTINOSIS; ANDERSEN DISEASE; BRANCHER DEFICIENCY; CIRRHOSIS, FAMILIAL, WITH DEPOSITION OF ABNORMAL GLYCOGEN; GBE1 DEFICIENCY; GLYCOGEN BRANCHING ENZYME DEFICIENCY. Identifiers: Orphanet 367, MedGen C0017923, MONDO:0009292, OMIM 232500.
Glycogen storage disease IV, classic hepatic. Also called: GSD IV, CLASSIC HEPATIC. Identifiers: MedGen C1856301.
GBE1-related disorder. Also called: GBE1-related condition; GBE1-related disorders. Identifiers: MedGen CN239402.

Allele frequency attached by ClinVar (database versions not stated): gnomAD exomes below 0.00001.

Submissions (3):

Baylor Genetics
Classification: Likely pathogenic for Glycogen storage disease, type IV. Last evaluated: 2024-03-06. Review status: criteria provided, single submitter. Criteria: ACMG Guidelines, 2015. Collection method: clinical testing. Allele origin: unknown.

Labcorp Genetics (formerly Invitae), Labcorp
Classification: Pathogenic for Glycogen storage disease, type IV; Glycogen storage disease IV, classic hepatic. Last evaluated: 2022-08-09. Review status: criteria provided, single submitter. Criteria: Invitae Variant Classification Sherloc (09022015). Collection method: clinical testing. Allele origin: germline.
Comment: ClinVar contains an entry for this variant (Variation ID: 1453400). For these reasons, this variant has been classified as Pathogenic. This sequence change creates a premature translational stop signal (p.Ala16Glyfs*23) in the GBE1 gene. It is expected to result in an absent or disrupted protein product. Loss-of-function variants in GBE1 are known to be pathogenic (PMID: 15452297, 20058079). This variant is not present in population databases (gnomAD no frequency). This variant has not been reported in the literature in individuals affected with GBE1-related conditions.

Blueprint Genetics
Classification: Likely pathogenic for GBE1-related disorders. Last evaluated: 2020-11-24. Review status: criteria provided, single submitter. Criteria: ACMG Guidelines, 2015. Collection method: clinical testing. Allele origin: germline. Affected: yes. Observed: 1 variant allele.

Literature cited by the submitters: PubMed 15452297 (cited by Labcorp Genetics (formerly Invitae), Labcorp); PubMed 20058079 (cited by Labcorp Genetics (formerly Invitae), Labcorp).